The following is an entry in ClinVar:

ClinVar aggregate classification (germline): Likely benign. Review status: criteria provided, single submitter (1 of 4 stars). 2 submissions from 2 submitters: Likely benign (1). 1 of the submissions does not count toward it. Last evaluated 2022-07-04.

Conditions:
NFATC1-related disorder. Also called: NFATC1-related condition.

Allele frequency attached by ClinVar (database versions not stated): gnomAD exomes 0.00006; 1000 Genomes Project 30x 0.00016; 1000 Genomes Project 0.00020; ESP Exome Variant Server 0.00008; ExAC 0.00008; TOPMed 0.00015; gnomAD 0.00013.
gnomAD v4.1: 107 of 1,597,424 alleles (0.0067%); highest among the groups gnomAD compares: African/African-American, 0.036%; no homozygotes.

Submissions (2):

Labcorp Genetics (formerly Invitae), Labcorp
Classification: Likely benign. Last evaluated: 2022-07-04. Review status: criteria provided, single submitter. Criteria: Invitae Variant Classification Sherloc (09022015). Collection method: clinical testing. Allele origin: germline.

PreventionGenetics, part of Exact Sciences
Classification: Likely benign for NFATC1-related condition. Last evaluated: 2019-06-26. Review status: no assertion criteria provided. Collection method: clinical testing. Allele origin: germline. Not counted in ClinVar's aggregate classification.
Comment: This variant is classified as likely benign based on ACMG/AMP sequence variant interpretation guidelines (Richards et al. 2015 PMID: 25741868, with internal and published modifications).

NM_001278669.2(NFATC1):c.2382C>T (p.Ala794=)

Gene: NFATC1 (nuclear factor of activated T cells 1; plus strand). Cytogenetic location: 18q23.
Variant type: single nucleotide variant.
Coding change: c.2382C>T on transcript NM_001278669.2 (MANE Select); coding-DNA position 2382, C replaced by T.
Protein change: p.Ala794=; no amino-acid change (alanine 794 retained).
Molecular consequence: synonymous variant. On other transcripts: intron variant (2).
Genome position (GRCh38, 1-based): chr18:79,486,537, C>T. VCF-style: chr18-79486537-C-T. GRCh37 (hg19) VCF-style: chr18-77246537-C-T.
Other names: c.2382C>T (NM_001278669.1); c.966C>T, p.Ala322= (NM_001278673.2, NM_172388.3); c.2382C>T, p.Ala794= (NM_006162.5); c.2343C>T, p.Ala781= (NM_172387.3, NM_172389.3); c.2092+18955C>T (NM_001278670.2); c.2053+18955C>T (NM_001278672.2).
Identifiers: ClinVar variation 2074985 (VCV002074985.6), dbSNP rs371108597, ClinGen allele CA9009617.
Genomic context (GRCh38, chr18:79,486,537, plus strand): 5'-TGCCTACACCAAGGGCGTTGCCAGCCCGGGCCACTGTCACCTCGGACTCCCGCAGCCGGC[C>T]GGAGAGGCCCCCGCCGTCCAGGACGTGCCCAGGCCAGTGGCCACGCACCCCGGCTCGCCC-3'
Protein context (NP_001265598.1, residues 784-804): GHCHLGLPQP[Ala794=]GEAPAVQDVP